The following is an entry in ClinVar:

ClinVar aggregate classification (germline): Uncertain significance (1 of 4 stars; one submission).

Conditions:
Inborn genetic diseases. Identifiers: MedGen C0950123, MeSH D030342.

Submission:

Ambry Genetics
Classification: Uncertain significance for Inborn genetic diseases. Last evaluated: 2024-11-22. Review status: criteria provided, single submitter. Criteria: Ambry Variant Classification Scheme 2023. Collection method: clinical testing. Allele origin: germline.
Comment: The p.G285S variant (also known as c.853G>A), located in coding exon 6 of the KDM1A gene, results from a G to A substitution at nucleotide position 853. The glycine at codon 285 is replaced by serine, an amino acid with similar properties. This amino acid position is conserved. In addition, this alteration is predicted to be deleterious by in silico analysis. Based on the available evidence, the clinical significance of this variant remains unclear.

NM_001009999.3(KDM1A):c.853G>A (p.Gly285Ser)

Gene: KDM1A (lysine demethylase 1A; plus strand). Cytogenetic location: 1p36.12.
Variant type: single nucleotide variant.
Coding change: c.853G>A on transcript NM_001009999.3 (MANE Select); coding-DNA position 853, G replaced by A.
Protein change: p.Gly285Ser; replaces glycine 285 with serine.
Molecular consequence: missense variant.
Genome position (GRCh38, 1-based): chr1:23,055,131, G>A. VCF-style: chr1-23055131-G-A. GRCh37 (hg19) VCF-style: chr1-23381624-G-A.
Other names: c.793G>A, p.Gly265Ser (NM_001363654.2, NM_001410763.1, NM_015013.4); c.853G>A, p.Gly285Ser (NM_001410762.1); short protein forms G285S, G265S.
Identifiers: ClinVar variation 3532917 (VCV003532917.1).
Genomic context (GRCh38, chr1:23,055,131, plus strand): 5'-GATACTGTGCTTGTCCACCGAGTTCACAGTTATTTAGAGCGTCATGGTCTTATCAACTTC[G>A]GCATCTATAAGAGGATAAAACCCCTACCAAGTAAGGACCTCCTACCTGGCTGATAAATTT-3'
Protein context (NP_001009999.1, residues 275-295): YLERHGLINF[Gly285Ser]IYKRIKPLPT